The following is an entry in ClinVar:

ClinVar aggregate classification (germline): Pathogenic. Review status: criteria provided, multiple submitters, no conflicts (2 of 4 stars). 12 submissions from 12 submitters: Pathogenic (11). 1 of the submissions does not count toward it. Last evaluated 2026-08-06.

Conditions:
Primary ciliary dyskinesia 3. Identifiers: Orphanet 244, MedGen C1837618, MONDO:0012085, OMIM 608644.
Primary ciliary dyskinesia. Also called: Ciliary dyskinesia. Identifiers: Orphanet 244, MedGen C0008780, MONDO:0016575, HP:0012265.
DNAH5-related disorders.
Respiratory ciliopathies including non-CF bronchiectasis.

Allele frequency attached by ClinVar (database versions not stated): gnomAD exomes 0.00005 and 0.00006; ExAC 0.00006; gnomAD 0.00006; TOPMed 0.00008; ESP Exome Variant Server 0.00015; 1000 Genomes Project 30x 0.00016; 1000 Genomes Project 0.00020.
gnomAD v4.1: 81 of 1,613,838 alleles (0.005%); highest among the groups gnomAD compares: Non-Finnish European, 0.006%; no homozygotes.

Submissions (12):

OLLIN Analises Genomicas, OLLIN
Classification: Pathogenic for Primary ciliary dyskinesia 3. Last evaluated: 2026-08-06. Review status: criteria provided, single submitter. Criteria: ACMG Guidelines 2015 PMID 25741868. Collection method: clinical testing. Allele origin: germline. Inheritance: Autosomal recessive inheritance.
Comment: This nonsense variant, located in exon 77 (of 79), has been reported in ClinVar (accession VCV000407248.27), in gnomAD with an allele frequency of 0.00502%, and in the scientific literature, in compound heterozygosity, in individuals with DNAH5 related disorders (PMID: 38206729, 37860582). This variant introduces a premature stop codon, which is predicted to result in either a truncated protein or degradation of the mRNA via nonsense-mediated decay (NMD). According to the currently available evidence, this variant has been classified as pathogenic (PVS1, PM2_P, PM3_S).

Labcorp Genetics (formerly Invitae), Labcorp
Classification: Pathogenic for Primary ciliary dyskinesia. Last evaluated: 2025-12-28. Review status: criteria provided, single submitter. Criteria: Invitae Variant Classification Sherloc (09022015). Collection method: clinical testing. Allele origin: germline.
Comment: This sequence change creates a premature translational stop signal (p.Arg4496*) in the DNAH5 gene. It is expected to result in an absent or disrupted protein product. Loss-of-function variants in DNAH5 are known to be pathogenic (PMID: 11788826, 16627867). This variant is present in population databases (rs200901816, gnomAD 0.009%). This premature translational stop signal has been observed in individuals with primary ciliary dyskinesia (PMID: 16627867, 19357118, 26139845). It has also been observed to segregate with disease in related individuals. ClinVar contains an entry for this variant (Variation ID: 407248). For these reasons, this variant has been classified as Pathogenic.

Natera, Inc.
Classification: Pathogenic for Primary ciliary dyskinesia. Last evaluated: 2025-07-18. Review status: criteria provided, single submitter. Criteria: Natera Variant Classification Schema (03/2026). Collection method: clinical testing. Allele origin: germline.
Comment: The c.13486C>T variant in DNAH5 is a nonsense variant predicted to introduce a stop codon at amino acid 4496. This variant is expected to result in nonsense mediated decay, truncation, or a dysfunctional protein product. This variant is rare in the general population with a frequency below the threshold expected for the associated phenotype(s). This variant has been observed in one or more individuals affected with the associated recessive disease, as either homozygous or compound heterozygous with a second variant (PMID: 16627867). Additionally, this variant has been observed to segregate in affected family members (PMID: 16627867). Given the available evidence, this variant is classified as Pathogenic.

Dasa
Classification: Pathogenic. Last evaluated: 2025-06-28. Review status: criteria provided, single submitter. Criteria: DASA Assertion Criteria. Collection method: clinical testing. Allele origin: germline.
Comment: NM_001369.3(DNAH5):c.13486C>T (p.Arg4496*) introduces a premature termination codon predicted to result in loss of normal protein function. Loss-of-function is an established mechanism of disease for this gene. This variant has been recurrently observed in individuals with related phenotype (PMID: 16627867; PMID: 26139845). The variant is present at low frequency in population datasets. Based on the available data, this variant is classified as pathogenic.

NHS Central & South Genomic Laboratory Hub
Classification: Pathogenic for Respiratory ciliopathies including non-CF bronchiectasis. Last evaluated: 2024-11-11. Review status: criteria provided, single submitter. Criteria: ACMG Guidelines, 2015. Collection method: clinical testing. Allele origin: germline. Affected: yes.

Blueprint Genetics
Classification: Pathogenic for DNAH5-related disorders. Last evaluated: 2024-10-04. Review status: criteria provided, single submitter. Criteria: ACMG Guidelines, 2015. Collection method: clinical testing. Allele origin: germline. Affected: yes. Observed: 5 variant alleles.

GeneDx
Classification: Pathogenic. Last evaluated: 2023-10-24. Review status: criteria provided, single submitter. Criteria: GeneDx Variant Classification Process June 2021. Collection method: clinical testing. Allele origin: germline. Affected: yes.
Comment: Nonsense variant predicted to result in protein truncation or nonsense mediated decay in a gene for which loss-of-function is a known mechanism of disease; Reported in ClinVar as a pathogenic variant (ClinVar Variant ID# 407248; ClinVar); This variant is associated with the following publications: (PMID: 31980526, 31772028, 31589614, 31879361, 34930662, 25525159, 16627867, 27637300, 19357118, 26139845, 31638833, 31765523, 28991257, 32253119)

Clinical Genetics Laboratory, Skane University Hospital Lund
Classification: Pathogenic. Last evaluated: 2022-07-13. Review status: criteria provided, single submitter. Criteria: ACMG Guidelines, 2015. Collection method: clinical testing. Allele origin: germline. Affected: yes.

Fulgent Genetics
Classification: Pathogenic for Primary ciliary dyskinesia 3. Last evaluated: 2022-04-04. Review status: criteria provided, single submitter. Criteria: ACMG Guidelines, 2015. Collection method: clinical testing. Allele origin: unknown.

Genome-Nilou Lab
Classification: Pathogenic for Primary ciliary dyskinesia 3. Last evaluated: 2021-07-22. Review status: criteria provided, single submitter. Criteria: ACMG Guidelines, 2015. Collection method: clinical testing. Allele origin: germline. Affected: no.

HudsonAlpha Institute for Biotechnology
Classification: Pathogenic for Primary ciliary dyskinesia 3. Last evaluated: 2020-09-18. Review status: criteria provided, single submitter. Criteria: ACMG Guidelines, 2015. Collection method: research. Allele origin: paternal. Affected: yes. Observed: 1 compound heterozygote. Study: CSER-SouthSeq.
Comment: ACMG codes:PVS1, PS4M, PM2, PM3

Yale Center for Mendelian Genomics, Yale University
Classification: Likely pathogenic for Primary ciliary dyskinesia. Last evaluated: 2018-08-01. Review status: no assertion criteria provided. Collection method: literature only. Allele origin: germline. Affected: yes. Observed: 1 compound heterozygote. Study: Yale Center for Mendelian Genomics. Not counted in ClinVar's aggregate classification.

Literature cited by the submitters: PubMed 38206729 (cited by OLLIN Analises Genomicas, OLLIN); PubMed 37860582 (cited by OLLIN Analises Genomicas, OLLIN); PubMed 11788826 (cited by Labcorp Genetics (formerly Invitae), Labcorp); PubMed 16627867 (cited by 3 submitters); PubMed 19357118 (cited by Labcorp Genetics (formerly Invitae), Labcorp); PubMed 26139845 (cited by Labcorp Genetics (formerly Invitae), Labcorp and Dasa); PubMed 30067075 (cited by Yale Center for Mendelian Genomics, Yale University).

NM_001369.3(DNAH5):c.13486C>T (p.Arg4496Ter)

Gene: DNAH5 (dynein axonemal heavy chain 5; minus strand). Cytogenetic location: 5p15.2.
Variant type: single nucleotide variant.
Coding change: c.13486C>T on transcript NM_001369.3 (MANE Select); coding-DNA position 13486, C replaced by T.
Protein change: p.Arg4496Ter; replaces arginine 4496 with a stop codon.
Molecular consequence: nonsense.
Genome position (GRCh38, 1-based): chr5:13,701,289, G>A on the plus strand (C>T on the coding strand, the complement: DNAH5 is on the minus strand). VCF-style: chr5-13701289-G-A. GRCh37 (hg19) VCF-style: chr5-13701398-G-A.
Other names: short protein forms R4496*.
Identifiers: ClinVar variation 407248 (VCV000407248.30), dbSNP rs200901816, ClinGen allele CA3201351.